The following is an entry in ClinVar:

NM_004260.4(RECQL4):c.3502G>C (p.Gly1168Arg)

Gene: RECQL4 (RecQ like helicase 4; minus strand). Cytogenetic location: 8q24.3.
Variant type: single nucleotide variant.
Coding change: c.3502G>C on transcript NM_004260.4 (MANE Select); coding-DNA position 3502, G replaced by C.
Protein change: p.Gly1168Arg; replaces glycine 1168 with arginine.
Molecular consequence: missense variant. On other transcripts: non-coding transcript variant (3).
Genome position (GRCh38, 1-based): chr8:144,511,681, C>G on the plus strand (G>C on the coding strand, the complement: RECQL4 is on the minus strand). VCF-style: chr8-144511681-C-G. GRCh37 (hg19) VCF-style: chr8-145737064-C-G.
Other names: c.2431G>C, p.Gly811Arg (NM_001413024.1, NM_001413034.1, NM_001413040.1 and 4 more transcripts); c.3373G>C, p.Gly1125Arg (NM_001413025.1); c.2233G>C, p.Gly745Arg (NM_001413031.1, NM_001413038.1); c.2365G>C, p.Gly789Arg (NM_001413032.1, NM_001413027.1, NM_001413030.1); c.3370G>C, p.Gly1124Arg (NM_001413033.1); c.3472G>C, p.Gly1158Arg (NM_001413039.1); c.3151G>C, p.Gly1051Arg (NM_001413029.1); c.3511G>C, p.Gly1171Arg (NM_001413036.1); and 9 more; short protein forms G1102R, G1171R, G1193R, G801R, G1070R, G1136R, G1168R, G745R.
Identifiers: ClinVar variation 4750640 (VCV004750640.1).

ClinVar aggregate classification (germline): Uncertain significance (1 of 4 stars; one submission).

Conditions:
Baller-Gerold syndrome (BGS). Also called: CRANIOSYNOSTOSIS WITH RADIAL DEFECTS. Identifiers: Orphanet 1225, MedGen C0265308, MONDO:0009039, OMIM 218600.

gnomAD v4.1: 6 of 1,612,258 alleles (0.00037%); highest among the groups gnomAD compares: East Asian, 0.0067%; no homozygotes.

Submission:

Labcorp Genetics (formerly Invitae), Labcorp
Classification: Uncertain significance for Baller-Gerold syndrome. Last evaluated: 2025-07-27. Review status: criteria provided, single submitter. Criteria: Invitae Variant Classification Sherloc (09022015). Collection method: clinical testing. Allele origin: germline.
Comment: This sequence change replaces glycine, which is neutral and non-polar, with arginine, which is basic and polar, at codon 1168 of the RECQL4 protein (p.Gly1168Arg). This variant also falls at the last nucleotide of exon 20, which is part of the consensus splice site for this exon. This variant is not present in population databases (gnomAD no frequency). This variant has not been reported in the literature in individuals affected with RECQL4-related conditions. Experimental studies and prediction algorithms are not available or were not evaluated, and the functional significance of this variant is currently unknown. Variants that disrupt the consensus splice site are a relatively common cause of aberrant splicing (PMID: 17576681, 9536098). Algorithms developed to predict the effect of sequence changes on RNA splicing suggest that this variant may disrupt the consensus splice site. In summary, the available evidence is currently insufficient to determine the role of this variant in disease. Therefore, it has been classified as a Variant of Uncertain Significance.

Literature cited by the submitters: PubMed 17576681; PubMed 9536098.